The following is an entry in ClinVar:

NM_001395656.1(ROBO2):c.2411T>C (p.Ile804Thr)

Gene: ROBO2 (roundabout guidance receptor 2; plus strand). Cytogenetic location: 3p12.3.
Variant type: single nucleotide variant.
Coding change: c.2411T>C on transcript NM_001395656.1 (MANE Select); coding-DNA position 2411, T replaced by C.
Protein change: p.Ile804Thr; replaces isoleucine 804 with threonine.
Molecular consequence: missense variant.
Genome position (GRCh38, 1-based): chr3:77,580,017, T>C. VCF-style: chr3-77580017-T-C. GRCh37 (hg19) VCF-style: chr3-77629168-T-C.
Other names: c.2447T>C, p.Ile816Thr (NM_001128929.3); c.2411T>C, p.Ile804Thr (NM_001290039.2, NM_001290040.2, NM_001378202.1); c.620T>C, p.Ile207Thr (NM_001290065.2); c.2459T>C, p.Ile820Thr (NM_001378190.1, NM_001378191.1, NM_001378195.1 and 4 more transcripts); c.2480T>C, p.Ile827Thr (NM_001378192.1, NM_001378194.1, NM_001378198.1 and 2 more transcripts); c.2399T>C, p.Ile800Thr (NM_001378193.1, NM_001378197.1, NM_002942.5); c.2468T>C, p.Ile823Thr (NM_001394212.1, NM_001394214.1, NM_001395657.1); short protein forms I207T, I800T, I804T, I816T, I820T, I823T, I827T.
Identifiers: ClinVar variation 3252454 (VCV003252454.1), dbSNP rs1583071244.
Genomic context (GRCh38, chr3:77,580,017, plus strand): 5'-TAGGAAATGAAACGCGATTCCATATCAACAAAACTGTGGATGCAGCCATTCGGTCCGTAA[T>C]AATTGGTGGATTATTCCCAGGTATTCAATACCGGGTAGAGGTTGCAGCTAGTACCAGTGC-3'
Protein context (NP_001382585.1, residues 794-814): KTVDAAIRSV[Ile804Thr]IGGLFPGIQY

ClinVar aggregate classification (germline): Uncertain significance (1 of 4 stars; one submission).

Submission:

GeneDx
Classification: Uncertain significance. Last evaluated: 2023-10-02. Review status: criteria provided, single submitter. Criteria: GeneDx Variant Classification Process June 2021. Collection method: clinical testing. Allele origin: germline. Affected: yes.
Comment: Not observed at significant frequency in large population cohorts (gnomAD); In silico analysis supports that this missense variant has a deleterious effect on protein structure/function; Has not been previously published as pathogenic or benign to our knowledge